The following is an entry in ClinVar:

NM_030787.4(CFHR5):c.427A>C (p.Thr143Pro)

Gene: CFHR5 (complement factor H related 5; plus strand). Cytogenetic location: 1q31.3.
Variant type: single nucleotide variant.
Coding change: c.427A>C on transcript NM_030787.4 (MANE Select); coding-DNA position 427, A replaced by C.
Protein change: p.Thr143Pro; replaces threonine 143 with proline.
Molecular consequence: missense variant.
Genome position (GRCh38, 1-based): chr1:196,984,134, A>C. VCF-style: chr1-196984134-A-C. GRCh37 (hg19) VCF-style: chr1-196953264-A-C.
Other names: p.Thr143Pro; short protein forms T143P.
Identifiers: ClinVar variation 1693735 (VCV001693735.34), dbSNP rs138529008, ClinGen allele CA1307730.

ClinVar aggregate classification (germline): Conflicting classifications of pathogenicity. Review status: criteria provided, conflicting classifications (1 of 4 stars). 6 submissions from 6 submitters: Uncertain significance (4); Likely benign (2). Last evaluated 2026-02-06.

Conditions:
CFHR5 deficiency. Identifiers: MedGen C3553720.

Allele frequency attached by ClinVar (database versions not stated): ExAC 0.00003.
gnomAD v4.1: 72 of 1,612,560 alleles (0.0045%); highest among the groups gnomAD compares: African/African-American, 0.085%; no homozygotes.

Submissions (6):

Women's Health and Genetics/Laboratory Corporation of America, LabCorp
Classification: Likely benign. Last evaluated: 2026-02-06. Review status: criteria provided, single submitter. Criteria: LabCorp Variant Classification Summary - May 2015. Collection method: clinical testing. Allele origin: germline.
Comment: Variant summary: CFHR5 c.427A>C (p.Thr143Pro) results in a non-conservative amino acid change in the encoded protein sequence. Algorithms developed to predict the effect of missense changes on protein structure and function are either unavailable or do not agree on the potential impact of this missense change. The variant allele was found at a frequency of 6e-05 in 282600 control chromosomes, predominantly at a frequency of 0.0006 within the African or African-American subpopulation in the gnomAD database. The observed variant frequency within African or African-American control individuals in the gnomAD database exceeds the estimated maximal expected allele frequency for disease-causing variants in CFHR5. To our knowledge, no occurrence of c.427A>C in individuals affected with CFHR5-related conditions and no experimental evidence demonstrating its impact on protein function have been reported. ClinVar contains an entry for this variant (Variation ID: 1693735). Based on the evidence outlined above, the variant was classified as likely benign.

Labcorp Genetics (formerly Invitae), Labcorp
Classification: Uncertain significance. Last evaluated: 2025-02-17. Review status: criteria provided, single submitter. Criteria: Invitae Variant Classification Sherloc (09022015). Collection method: clinical testing. Allele origin: germline.
Comment: This sequence change replaces threonine, which is neutral and polar, with proline, which is neutral and non-polar, at codon 143 of the CFHR5 protein (p.Thr143Pro). This variant is present in population databases (rs138529008, gnomAD 0.07%), and has an allele count higher than expected for a pathogenic variant. This variant has not been reported in the literature in individuals affected with CFHR5-related conditions. ClinVar contains an entry for this variant (Variation ID: 1693735). An algorithm developed to predict the effect of missense changes on protein structure and function (PolyPhen-2) suggests that this variant is likely to be disruptive. In summary, the available evidence is currently insufficient to determine the role of this variant in disease. Therefore, it has been classified as a Variant of Uncertain Significance.

CeGaT Center for Human Genetics Tuebingen
Classification: Likely benign. Last evaluated: 2024-02-01. Review status: criteria provided, single submitter. Criteria: CeGaT Center For Human Genetics Tuebingen Variant Classification Criteria Version 2. Collection method: clinical testing. Allele origin: germline. Affected: yes. Observed: 1 variant allele.
Comment: CFHR5: BP4

Genome-Nilou Lab
Classification: Uncertain significance for C3 glomerulonephritis. Last evaluated: 2023-04-11. Review status: criteria provided, single submitter. Criteria: ACMG Guidelines, 2015. Collection method: clinical testing. Allele origin: germline. Affected: no.

Fulgent Genetics
Classification: Uncertain significance for C3 glomerulonephritis. Last evaluated: 2022-02-19. Review status: criteria provided, single submitter. Criteria: ACMG Guidelines, 2015. Collection method: clinical testing. Allele origin: unknown.

Mayo Clinic Laboratories, Mayo Clinic
Classification: Uncertain significance. Last evaluated: 2021-09-13. Review status: criteria provided, single submitter. Criteria: ACMG Guidelines, 2015. Collection method: clinical testing. Allele origin: germline.